The following is an entry in ClinVar:

NM_130466.4(UBE3B):c.1820G>A (p.Arg607Gln)

Gene: UBE3B (ubiquitin protein ligase E3B; plus strand). Cytogenetic location: 12q24.11.
Variant type: single nucleotide variant.
Coding change: c.1820G>A on transcript NM_130466.4 (MANE Select); coding-DNA position 1820, G replaced by A.
Protein change: p.Arg607Gln; replaces arginine 607 with glutamine.
Molecular consequence: missense variant.
Genome position (GRCh38, 1-based): chr12:109,510,422, G>A. VCF-style: chr12-109510422-G-A. GRCh37 (hg19) VCF-style: chr12-109948227-G-A.
Other names: c.1820G>A, p.Arg607Gln (NM_183415.3); short protein forms R607Q.
Identifiers: ClinVar variation 5018116 (VCV005018116.1).

ClinVar aggregate classification (germline): Uncertain significance (1 of 4 stars; one submission).

gnomAD v4.1: 159 of 1,612,826 alleles (0.0099%); highest among the groups gnomAD compares: East Asian, 0.3%; no homozygotes.

Submission:

GeneDx
Classification: Uncertain significance. Last evaluated: 2026-04-01. Review status: criteria provided, single submitter. Criteria: GeneDx Variant Classification Process June 2021. Collection method: clinical testing. Allele origin: germline.
Comment: In silico analysis supports that this missense variant has a deleterious effect on protein structure/function; Has not been previously published as pathogenic or benign to our knowledge